The following is an entry in ClinVar:

NM_207352.4(CYP4V2):c.802-8_810delinsGC

Gene: CYP4V2 (cytochrome P450 family 4 subfamily V member 2; plus strand). Cytogenetic location: 4q35.2.
Variant type: Indel.
Coding change: c.802-8_810delinsGC on transcript NM_207352.4 (MANE Select); 8 bases into the intron before coding-DNA position 802 through coding-DNA position 810, TCATACAGGTCATCGCT replaced by GC.
Genome position (GRCh38, 1-based): chr4:186,201,149-186,201,165, TCATACAGGTCATCGCT replaced by GC. VCF-style: chr4-186201149-TCATACAGGTCATCGCT-GC. GRCh37 (hg19) VCF-style: chr4-187122303-TCATACAGGTCATCGCT-GC.
Other names: IVS6-8 del/insGC; c.802-8_810del17insGC (NM_207352.3).
Identifiers: ClinVar variation 39271 (VCV000039271.27), dbSNP rs207482233, ClinGen allele CA343740.

ClinVar aggregate classification (germline): Pathogenic. Review status: criteria provided, multiple submitters, no conflicts (2 of 4 stars). 15 submissions from 15 submitters: Pathogenic (12). 3 of the submissions do not count toward it. Last evaluated 2026-01-26.

Conditions:
CYP4V2-related disorder. Also called: CYP4V2-related disorders; CYP4V2-related condition.
Retinal dystrophy. Also called: Inherited retinal dystrophy. Identifiers: Orphanet 71862, MedGen C0854723, MeSH D058499, MONDO:0019118, HP:0000556.
Bietti crystalline corneoretinal dystrophy (BCD). Also called: BIETTI TAPETORETINAL DEGENERATION WITH MARGINAL CORNEAL DYSTROPHY; Bietti Crystalline Dystrophy. Identifiers: Orphanet 41751, MedGen C1859486, MONDO:0008865, OMIM 210370.

Submissions (15):

Medical and Scientific Branch, Hong Kong Genome Institute
Classification: Pathogenic for Bietti crystalline corneoretinal dystrophy. Last evaluated: 2026-01-26. Review status: criteria provided, single submitter. Criteria: ACMG Guidelines, 2015. Collection method: clinical testing. Allele origin: unknown. Affected: yes.

Revvity Omics, Revvity
Classification: Pathogenic for Bietti crystalline corneoretinal dystrophy. Last evaluated: 2025-03-04. Review status: criteria provided, single submitter. Criteria: ACMG Guidelines, 2015. Collection method: clinical testing. Allele origin: germline.

SingHealth Duke-NUS Institute of Precision Medicine
Classification: Pathogenic for Bietti crystalline corneoretinal dystrophy. Last evaluated: 2025-02-05. Review status: criteria provided, single submitter. Criteria: PRISM ACMG Classification Criteria. Collection method: clinical testing. Allele origin: germline. Affected: yes.
Comment: Variant is predicted to cause LOF through truncating >10% of the protein, in a gene where LOF is a known cause of pathogenicity (PVS1). Variant is not found in gnomAD genomes and exomes (PM2). Cosegregation with disease phenotype is observed in multiple families within the cohort (PP1)

Division of Genetic & Genomic Pathology, Hong Kong Children's Hospital
Classification: Pathogenic for Bietti crystalline corneoretinal dystrophy. Last evaluated: 2024-09-23. Review status: criteria provided, single submitter. Criteria: ACMG Guidelines, 2015. Collection method: clinical testing. Allele origin: germline. Affected: yes.
Comment: The CYP4V2 c.802-8_810delinsGC variant is a known pathogenic variant which occurs within the junction of intron 6 and exon 7. cDNA analysis suggested the variant would result in in-frame skipping of exon 7 (PMID: 16088246). The c.802-8_810delinsGC variant has been reported in numerous individuals with Bietti crystalline dystrophy and is especially prevalent among East Asians, suggesting a founder effect (PMID: 22497028, 15860296, 30429639).

Blueprint Genetics
Classification: Pathogenic for CYP4V2-related disorders. Last evaluated: 2024-08-13. Review status: criteria provided, single submitter. Criteria: ACMG Guidelines, 2015. Collection method: clinical testing. Allele origin: germline. Affected: yes. Observed: 5 variant alleles.

GeneDx
Classification: Pathogenic. Last evaluated: 2022-03-14. Review status: criteria provided, single submitter. Criteria: GeneDx Variant Classification Process June 2021. Collection method: clinical testing. Allele origin: germline. Affected: yes.
Comment: Canonical splice site variant expected to result in aberrant splicing, although in the absence of functional evidence the actual effect of this sequence change is unknown.; Reported as the most common pathogenic variant among individuals of East Asian background, accounting for 62.6% of pathogenic variants identified in one study (Zhang et al., 2018); Not observed at significant frequency in large population cohorts (gnomAD); This variant is associated with the following publications: (PMID: 27658286, 25629076, 15042513, 23793346, 22693542, 15860296, 26865810, 24480711, 28848678, 16088246, 28763560, 30029497, 19508456, 30609409, 31054281, 31872526, 31960602, 33964374, 33857831, 33090715, 33306817, 33781268, 34068831, 30429639, 15937078)

Ocular Genomics Institute, Massachusetts Eye and Ear
Classification: Pathogenic for Bietti crystalline corneoretinal dystrophy. Last evaluated: 2021-04-08. Review status: criteria provided, single submitter. Criteria: ACMG Guidelines, 2015. Collection method: research. Allele origin: germline. Affected: yes.
Comment: Through a review of available evidence we were able to apply the following criteria: PM2, PVS1, PM3. Based on this evidence we have classified this variant as Pathogenic.

Laboratory for Molecular Medicine, Mass General Brigham Personalized Medicine
Classification: Pathogenic for Bietti crystalline corneoretinal dystrophy. Last evaluated: 2017-02-06. Review status: criteria provided, single submitter. Criteria: LMM Criteria. Collection method: clinical testing. Allele origin: germline. Inheritance: Autosomal recessive inheritance. Observed: 1 variant allele.
Comment: The c.802-8_810delinsGC (NM_207352.3 c.802-8_810delinsGC) variant in CYP4V2 has been reported in over 60 homozygous and compound heterozygous individuals with B ietti crystalline dystrophy and related disorders and is the most common variant associated with this disease in East Asian populations (Wada 2005, Lin 2005, La i 2007, Yokoi 2010, Xiao 2011, Wang 2012, Chung 2013, Fu 2013, Yin 2014, Meng 20 14, Tian 2015, Astuti 2015, and Park 2016). This variant has also been reported as pathogenic in ClinVar (Variation ID#39271). This variant has been identified in 0.2% (16/8520) of East Asian chromosomes by chromosomes by the Exome Aggregat ion Consortium (ExAC). This variant alters the c anonical splice site, and therefore is expected to impact splicing and lead to a n absent or truncated protein. In summary, this variant meets criteria to be cla ssified as pathogenic for Bietti crystalline dystrophy and related disorders in an autosomal recessive manner based upon its biallelic occurrence in patients wi th this disease and predicted functional impact.

Institute of Human Genetics, Univ. Regensburg, Univ. Regensburg
Classification: Pathogenic for Retinal dystrophy. Last evaluated: 2017-01-01. Review status: criteria provided, single submitter. Criteria: ACMG Guidelines, 2015. Collection method: clinical testing. Allele origin: germline. Affected: yes.

Eurofins Ntd Llc (ga)
Classification: Pathogenic. Last evaluated: 2016-11-18. Review status: criteria provided, single submitter. Criteria: EGL Classification Definitions 2015. Collection method: clinical testing. Allele origin: germline. Observed: 1 variant allele, 1 heterozygote.

Illumina Laboratory Services, Illumina
Classification: Pathogenic for Bietti Crystalline Dystrophy. Last evaluated: 2016-06-14. Review status: criteria provided, single submitter. Criteria: ICSL Variant Classification 20161018. Collection method: clinical testing. Allele origin: germline.
Comment: The c.802-8_810delTCATACAGGTCATCGCTinsGC variant, also described in the literature as c.802-8_810delinsG, occurs in a canonical splice site (acceptor) and is therefore predicted to disrupt or distort the normal gene product. The c.802-8_810delTCATACAGGTCATCGCTinsGC variant is the most common variant associated with Bietti crystalline dystrophy in the Japanese and Chinese populations, accounting for up to 83% of disease alleles (Park et al. 2016). The variant has been reported in at least nine studies in which it is found in at least 130 patients including 64 in a homozygous state, 65 in a compound heterozygous state and one individual in a heterozygous state in whom a second allele has not been detected (Li et al. 2004; Wada et al. 2006; Lai et al. 2007; Xiao et al. 2011; Yin et al. 2014; Meng et al. 2014; Tian et al. 2015; Park et al. 2016; Astuti et al. 2016). The variant was absent from 146 controls but is reported at a frequency of 0.00496 in the East Asian population of the 1000 Genomes Project. Due to the potential impact of splice acceptor variants and the supporting evidence from the literature, the c.802-8_810delTCATACAGGTCATCGCTinsGC variant is classified as pathogenic for Bietti crystalline dystrophy.

Juno Genomics, Hangzhou Juno Genomics, Inc
Classification: Pathogenic for Bietti crystalline corneoretinal dystrophy. Review status: criteria provided, single submitter. Criteria: ACMG Guidelines, 2015. Collection method: clinical testing. Allele origin: germline.
Comment: Null variant in a gene where loss of function (LOF) is a known mechanism of disease.;For recessive disorders, detected in trans with a pathogenic variant.

OMIM
Classification: Pathogenic for BIETTI CRYSTALLINE CORNEORETINAL DYSTROPHY. Last evaluated: 2013-06-14. Review status: no assertion criteria provided. Collection method: literature only. Allele origin: germline. Not counted in ClinVar's aggregate classification.

GeneReviews
Classification: Pathogenic for Bietti Crystalline Dystrophy. Last evaluated: 2012-04-12. Review status: no assertion criteria provided. Collection method: curation. Allele origin: unknown. Not counted in ClinVar's aggregate classification.
ClinVar note: Converted during submission from pathologic to Pathogenic.

Department of Ophthalmology and Visual Sciences Kyoto University
Classification: Pathogenic for Bietti crystalline corneoretinal dystrophy. Review status: no assertion criteria provided. Collection method: not provided. Allele origin: unknown. Not counted in ClinVar's aggregate classification.
ClinVar note: Converted during submission from pathogenic to Pathogenic.

Literature cited by the submitters: PubMed 16088246 (cited by Division of Genetic & Genomic Pathology, Hong Kong Children's Hospital); PubMed 22497028 (cited by Division of Genetic & Genomic Pathology, Hong Kong Children's Hospital and Ocular Genomics Institute, Massachusetts Eye and Ear); PubMed 15860296 (cited by 4 submitters); PubMed 30429639 (cited by Division of Genetic & Genomic Pathology, Hong Kong Children's Hospital); PubMed 17249554 (cited by Ocular Genomics Institute, Massachusetts Eye and Ear); PubMed 29641573 (cited by Ocular Genomics Institute, Massachusetts Eye and Ear); PubMed 26865810 (cited by 3 submitters); PubMed 26085992 (cited by 3 submitters); PubMed 25629076 (cited by 3 submitters); PubMed 25593508 (cited by 3 submitters); PubMed 24739949 (cited by 3 submitters); PubMed 23793346 (cited by Ocular Genomics Institute, Massachusetts Eye and Ear and Laboratory for Molecular Medicine, Mass General Brigham Personalized Medicine); PubMed 23661369 (cited by 3 submitters); PubMed 22693542 (cited by 4 submitters); PubMed 21565171 (cited by 3 submitters); PubMed 19508456 (cited by Ocular Genomics Institute, Massachusetts Eye and Ear and Laboratory for Molecular Medicine, Mass General Brigham Personalized Medicine); PubMed 17962476 (cited by 3 submitters); PubMed 15937078 (cited by 3 submitters); PubMed 15042513 (cited by 4 submitters).